The following is an entry in ClinVar:

NM_001370466.1(NOD2):c.1923del (p.His642fs)

Gene: NOD2 (nucleotide binding oligomerization domain containing 2; plus strand). Cytogenetic location: 16q12.1.
Variant type: Deletion.
Coding change: c.1923del on transcript NM_001370466.1 (MANE Select); coding-DNA position 1923, one base deleted (G; older notation c.1923delG).
Protein change: p.His642fs; shifts the reading frame from histidine 642.
Molecular consequence: frameshift variant. On other transcripts: non-coding transcript variant (1).
Genome position (GRCh38, 1-based): chr16:50,711,915, G deleted. VCF-style (leftmost placement, unchanged base first): chr16-50711914-CG-C. GRCh37 (hg19) VCF-style: chr16-50745825-CG-C.
Other names: c.1923del, p.His642fs (NM_001293557.2); c.2004del, p.His669fs (NM_022162.3); short protein forms H669fs, H642fs.
Identifiers: ClinVar variation 863734 (VCV000863734.16), dbSNP rs758485603, ClinGen allele CA8051669.

ClinVar aggregate classification (germline): Uncertain significance. Review status: criteria provided, multiple submitters, no conflicts (2 of 4 stars). 2 submissions from 2 submitters: Uncertain significance (2). Last evaluated 2025-12-21.

Conditions:
Blau syndrome (BLAUS). Also called: GRANULOMATOSIS, FAMILIAL JUVENILE SYSTEMIC; GRANULOMATOSIS, FAMILIAL, BLAU TYPE; GRANULOMATOUS INFLAMMATORY ARTHRITIS, DERMATITIS, AND UVEITIS, FAMILIAL; JABS SYNDROME; ARTHROCUTANEOUVEAL GRANULOMATOSIS. Identifiers: Orphanet 90340, MedGen C5201146, MONDO:0008523, OMIM 186580.
Regional enteritis. Also called: Enteritis, Granulomatous. Identifiers: MedGen C0678202, MeSH D003424.

Allele frequency attached by ClinVar (database versions not stated): ExAC 0.00001; gnomAD exomes 0.00002; TOPMed 0.00002.

Submissions (2):

Labcorp Genetics (formerly Invitae), Labcorp
Classification: Uncertain significance for Regional enteritis; Blau syndrome. Last evaluated: 2025-12-21. Review status: criteria provided, single submitter. Criteria: Invitae Variant Classification Sherloc (09022015). Collection method: clinical testing. Allele origin: germline.
Comment: This sequence change creates a premature translational stop signal (p.His669Thrfs*94) in the NOD2 gene. It is expected to result in an absent or disrupted protein product. However, the current clinical and genetic evidence is not sufficient to establish whether loss-of-function variants in NOD2 cause disease. This variant is present in population databases (rs758485603, gnomAD 0.01%). This premature translational stop signal has been observed in individual(s) with Crohn's disease (PMID: 30166421). This variant is also known as P668fs. ClinVar contains an entry for this variant (Variation ID: 863734). In summary, the available evidence is currently insufficient to determine the role of this variant in disease. Therefore, it has been classified as a Variant of Uncertain Significance.

ARUP Laboratories, Molecular Genetics and Genomics, ARUP Laboratories
Classification: Uncertain significance. Last evaluated: 2019-12-24. Review status: criteria provided, single submitter. Criteria: ARUP Molecular Germline Variant Investigation Process. Collection method: clinical testing. Allele origin: germline.
Comment: The NOD2 c.2004delG; p.His669ThrfsTer94 variant (rs758485603), also known as P668fs, is reported in the literature in at least one individual affected with Crohn's disease (Chen 2018). This variant is only observed on five alleles in the Genome Aggregation Database, indicating it is not a common polymorphism. This variant causes a frameshift by deleting a single nucleotide, so it is predicted to result in a truncated protein or mRNA subject to nonsense-mediated decay. Loss-of-function variants are not an established mechanism of disease for Blau syndrome, but have been associated with an increased risk for Chronâ€™s disease (Huang 2017). Thus, due to limited information, the clinical significance of the p.His669ThrfsTer94 variant is uncertain at this time. References: Chen et al. Targeted Gene Sequencing in Children with Crohn's Disease and Their Parents: Implications for Missing Heritability. G3 (Bethesda). 2018 Aug 30;8(9):2881-2888. Huang H et al. Fine-mapping inflammatory bowel disease loci to single-variant resolution. Nature. 2017 Jul 13;547(7662):173-178.

Literature cited by the submitters: PubMed 30166421 (cited by Labcorp Genetics (formerly Invitae), Labcorp).